The following is an entry in ClinVar:

ClinVar aggregate classification (germline): Uncertain significance. Review status: criteria provided, multiple submitters, no conflicts (2 of 4 stars). 2 submissions from 2 submitters: Uncertain significance (2). Last evaluated 2026-03-12.

Submissions (2):

GeneDx
Classification: Uncertain significance. Last evaluated: 2026-03-12. Review status: criteria provided, single submitter. Criteria: GeneDx Variant Classification Process June 2021. Collection method: clinical testing. Allele origin: germline.
Comment: In-frame deletion of 5 amino acid(s) in a non-repeat region; In silico analysis supports a deleterious effect on protein structure/function; This variant is associated with the following publications: (PMID: 35980532, 27153395)

Labcorp Genetics (formerly Invitae), Labcorp
Classification: Uncertain significance. Last evaluated: 2024-06-19. Review status: criteria provided, single submitter. Criteria: Invitae Variant Classification Sherloc (09022015). Collection method: clinical testing. Allele origin: germline.
Comment: This variant, c.5955_5969del, results in the deletion of 5 amino acid(s) of the ATR protein (p.Glu1986_Pro1990del), but otherwise preserves the integrity of the reading frame. This variant is present in population databases (rs771298972, gnomAD 0.01%). This variant has not been reported in the literature in individuals affected with ATR-related conditions. ClinVar contains an entry for this variant (Variation ID: 1918586). Experimental studies and prediction algorithms are not available or were not evaluated, and the functional significance of this variant is currently unknown. In summary, the available evidence is currently insufficient to determine the role of this variant in disease. Therefore, it has been classified as a Variant of Uncertain Significance.

NM_001184.4(ATR):c.5955_5969del (p.Glu1986_Pro1990del)

Gene: ATR (ATR checkpoint kinase; minus strand). Cytogenetic location: 3q23.
Variant type: Deletion.
Coding change: c.5955_5969del on transcript NM_001184.4 (MANE Select); coding-DNA positions 5955 to 5969, 15 bases deleted (TGAAAATGAAACCCC).
Protein change: p.Glu1986_Pro1990del.
Molecular consequence: inframe deletion.
Genome position (GRCh38, 1-based): chr3:142,493,241-142,493,255, GGGGTTTCATTTTCA deleted on the plus strand (TGAAAATGAAACCCC on the coding strand, the reverse complement: ATR is on the minus strand); deleting any 15 consecutive bases within chr3:142,493,241-142,493,257 gives the same sequence; the c. name uses the placement nearest the transcript's 3' end. VCF-style (leftmost placement, unchanged base first): chr3-142493240-TGGGGTTTCATTTTCA-T. GRCh37 (hg19) VCF-style: chr3-142212082-TGGGGTTTCATTTTCA-T.
Other names: c.5763_5777del, p.Glu1922_Pro1926del (NM_001354579.2); c.5955_5969del (NM_001184.3).
Identifiers: ClinVar variation 1918586 (VCV001918586.4), dbSNP rs771298972, ClinGen allele CA2649443.
Genomic context (GRCh38, chr3:142,493,240, plus strand): 5'-CATAAATCGGCCCACTAGTAGCATAGCTCGACCATGGATTAACATGTTCTTACCCTCAGG[TGGGGTTTCATTTTCA>T]GGAAAACATAATTCAACACCTTTTTGAAGAACAATTAGTGCCTGGTGAACATCACCCTAA-3'